The following is an entry in ClinVar:

ClinVar aggregate classification (germline): Pathogenic (1 of 4 stars; one submission).

Submission:

Medical Genetic Center, Changzhi Maternal and Child Health Care Hospital
Classification: Pathogenic. Last evaluated: 2025-12-10. Review status: criteria provided, single submitter. Criteria: ACMG/ClinGen CNV Guidelines, 2019. Collection method: clinical testing. Allele origin: unknown.
Comment: 2A:7q11.23 recurrent (Williams-Beuren syndrome) region (includes ELN)

GRCh38/hg38 7q11.23(chr7:73338336-74772490)x3

Genes: ABHD11 (abhydrolase domain containing 11; minus strand), ABHD11-AS1 (ABHD11 antisense RNA 1 (tail to tail); plus strand), BAZ1B (bromodomain adjacent to zinc finger domain 1B; minus strand), BCL7B (BAF chromatin remodeling complex subunit BCL7B; minus strand), BUD23 (BUD23 rRNA methyltransferase and ribosome maturation factor; plus strand) and 126 more. Cytogenetic location: 7q11.23.
Variant type: copy number gain.
Change: copy number 3 (three copies instead of two) of chr7:73,338,336-74,772,490 (1.43 Mb, GRCh38 coordinates, 1-based), cytogenetic band 7q11.23.
Identifiers: ClinVar variation 4796397 (VCV004796397.1).